The following is an entry in ClinVar:

ClinVar aggregate classification (germline): Uncertain significance. Review status: criteria provided, multiple submitters, no conflicts (2 of 4 stars). 2 submissions from 2 submitters: Uncertain significance (2). Last evaluated 2025-10-31.

Conditions:
Hereditary cancer-predisposing syndrome. Also called: Tumor predisposition; Hereditary neoplastic syndrome; Hereditary Cancer Syndrome; Neoplastic Syndromes, Hereditary. Identifiers: Orphanet 140162, MedGen C0027672, MeSH D009386, MONDO:0015356.

Submissions (2):

Labcorp Genetics (formerly Invitae), Labcorp
Classification: Uncertain significance. Last evaluated: 2025-10-31. Review status: criteria provided, single submitter. Criteria: Invitae Variant Classification Sherloc (09022015). Collection method: clinical testing. Allele origin: germline.
Comment: This sequence change replaces glutamic acid, which is acidic and polar, with aspartic acid, which is acidic and polar, at codon 234 of the HOXB13 protein (p.Glu234Asp). This variant is not present in population databases (gnomAD no frequency). This variant has not been reported in the literature in individuals affected with HOXB13-related conditions. ClinVar contains an entry for this variant (Variation ID: 962770). Invitae Evidence Modeling of protein sequence and biophysical properties (such as structural, functional, and spatial information, amino acid conservation, physicochemical variation, residue mobility, and thermodynamic stability) indicates that this missense variant is expected to disrupt HOXB13 protein function with a positive predictive value of 80%. In summary, the available evidence is currently insufficient to determine the role of this variant in disease. Therefore, it has been classified as a Variant of Uncertain Significance.

Ambry Genetics
Classification: Uncertain significance for Hereditary cancer-predisposing syndrome. Last evaluated: 2024-02-27. Review status: criteria provided, single submitter. Criteria: Ambry Variant Classification Scheme 2023. Collection method: clinical testing. Allele origin: germline.
Comment: The p.E234D variant (also known as c.702G>C), located in coding exon 2 of the HOXB13 gene, results from a G to C substitution at nucleotide position 702. The glutamic acid at codon 234 is replaced by aspartic acid, an amino acid with highly similar properties. This amino acid position is conserved. In addition, this alteration is predicted to be deleterious by in silico analysis. Based on the available evidence, the clinical significance of this alteration remains unclear.

NM_006361.6(HOXB13):c.702G>C (p.Glu234Asp)

Gene: HOXB13 (homeobox B13; minus strand). Cytogenetic location: 17q21.32.
Variant type: single nucleotide variant.
Coding change: c.702G>C on transcript NM_006361.6 (MANE Select); coding-DNA position 702, G replaced by C.
Protein change: p.Glu234Asp; replaces glutamic acid 234 with aspartic acid.
Molecular consequence: missense variant.
Genome position (GRCh38, 1-based): chr17:48,726,943, C>G on the plus strand (G>C on the coding strand, the complement: HOXB13 is on the minus strand). VCF-style: chr17-48726943-C-G. GRCh37 (hg19) VCF-style: chr17-46804305-C-G.
Other names: short protein forms E234D.
Identifiers: ClinVar variation 962770 (VCV000962770.9), dbSNP rs2038217771, ClinGen allele CA400106505.
Genomic context (GRCh38, chr17:48,726,943, plus strand): 5'-GCTGGTGGCTGCCGAGATCTTGCGCCTCTTGTCCTTGGTGATGAACTTGTTAGCCGCATA[C>G]TCCCGCTCCAGCTCCCGCAACTGCCCCTTGCTGTACGGAATGCGTTTCTTGCGGCCGCGA-3'
Protein context (NP_006352.2, residues 224-244): SKGQLRELER[Glu234Asp]YAANKFITKD